The following is an entry in ClinVar:

ClinVar aggregate classification (germline): Uncertain significance. Review status: criteria provided, multiple submitters, no conflicts (2 of 4 stars). 2 submissions from 2 submitters: Uncertain significance (2). Last evaluated 2024-11-13.

Conditions:
Aicardi-Goutieres syndrome 7 (AGS7). Identifiers: Orphanet 51, MedGen C3888244, MONDO:0014367, OMIM 615846.
Singleton-Merten syndrome 1 (SGMRT1). Also called: Widened medullary cavities of bone, aortic calcification, abnormal dentition, and muscular weakness; Syndrome of widened medullary cavities of the metacarpals and phalanges, aortic calcification and abnormal dentition. Identifiers: Orphanet 85191, MedGen C4225427, MONDO:0024535, OMIM 182250.

Allele frequency attached by ClinVar (database versions not stated): gnomAD exomes below 0.00001; TOPMed below 0.00001.
gnomAD v4.1: 4 of 1,609,260 alleles (0.00025%); highest among the groups gnomAD compares: Non-Finnish European, 0.00034%; no homozygotes.

Submissions (2):

Labcorp Genetics (formerly Invitae), Labcorp
Classification: Uncertain significance for Aicardi-Goutieres syndrome 7; Singleton-Merten syndrome 1. Last evaluated: 2024-11-13. Review status: criteria provided, single submitter. Criteria: Invitae Variant Classification Sherloc (09022015). Collection method: clinical testing. Allele origin: germline.
Comment: This sequence change affects an acceptor splice site in intron 4 of the IFIH1 gene. It is expected to disrupt RNA splicing. Variants that disrupt the donor or acceptor splice site typically lead to a loss of protein function (PMID: 16199547), however the current clinical and genetic evidence is not sufficient to establish whether loss-of-function variants in IFIH1 cause disease. This variant is not present in population databases (gnomAD no frequency). This variant has not been reported in the literature in individuals affected with IFIH1-related conditions. Disruption of this splice site has been observed in at least one individual who was not affected with IFIH1-related conditions (internal data). ClinVar contains an entry for this variant (Variation ID: 1301771). Algorithms developed to predict the effect of sequence changes on RNA splicing suggest that this variant may disrupt the consensus splice site. In summary, the available evidence is currently insufficient to determine the role of this variant in disease. Therefore, it has been classified as a Variant of Uncertain Significance.

Dubai Health Genomic Medicine Center, Dubai Health
Classification: Uncertain significance for Aicardi-Goutieres syndrome 7. Last evaluated: 2021-02-16. Review status: criteria provided, single submitter. Criteria: ACMG Guidelines, 2015. Collection method: clinical testing. Allele origin: germline. Affected: yes.

Literature cited by the submitters: PubMed 16199547 (cited by Labcorp Genetics (formerly Invitae), Labcorp).

NM_022168.4(IFIH1):c.875-1G>C

Gene: IFIH1 (interferon induced with helicase C domain 1; minus strand). Cytogenetic location: 2q24.2.
Variant type: single nucleotide variant.
Coding change: c.875-1G>C on transcript NM_022168.4 (MANE Select); the canonical splice acceptor site of the intron before coding-DNA position 875, G replaced by C.
Molecular consequence: splice acceptor variant.
Genome position (GRCh38, 1-based): chr2:162,288,356, C>G on the plus strand (G>C on the coding strand, the complement: IFIH1 is on the minus strand). VCF-style: chr2-162288356-C-G. GRCh37 (hg19) VCF-style: chr2-163144866-C-G.
Identifiers: ClinVar variation 1301771 (VCV001301771.5), dbSNP rs1682933667, ClinGen allele CA349005004.